The following is an entry in ClinVar:

ClinVar aggregate classification (germline): Uncertain significance (1 of 4 stars; one submission).

Conditions:
Hereditary cancer-predisposing syndrome. Also called: Neoplastic Syndromes, Hereditary; Tumor predisposition; Hereditary Cancer Syndrome; Hereditary neoplastic syndrome. Identifiers: Orphanet 140162, MedGen C0027672, MeSH D009386, MONDO:0015356.

Submission:

Color Diagnostics, LLC DBA Color Health
Classification: Uncertain significance for Hereditary cancer-predisposing syndrome. Last evaluated: 2023-07-17. Review status: criteria provided, single submitter. Criteria: ACMG Guidelines, 2015. Collection method: clinical testing. Allele origin: germline.
Comment: This missense variant replaces glycine with aspartic acid at codon 2743 of the BRCA2 protein. Computational prediction is inconclusive regarding the impact of this variant on protein structure and function (internally defined REVEL score threshold 0.5 < inconclusive < 0.7, PMID: 27666373). To our knowledge, functional studies have not been reported for this variant. This variant has not been reported in individuals affected with BRCA2-related disorders in the literature. This variant has not been identified in the general population by the Genome Aggregation Database (gnomAD). The available evidence is insufficient to determine the role of this variant in disease conclusively. Therefore, this variant is classified as a Variant of Uncertain Significance.

NM_000059.4(BRCA2):c.8228G>A (p.Gly2743Asp)

Gene: BRCA2 (BRCA2 DNA repair associated; plus strand). Cytogenetic location: 13q13.1.
Variant type: single nucleotide variant.
Coding change: c.8228G>A on transcript NM_000059.4 (MANE Select); coding-DNA position 8228, G replaced by A.
Protein change: p.Gly2743Asp; replaces glycine 2743 with aspartic acid.
Molecular consequence: missense variant. On other transcripts: non-coding transcript variant (1).
Genome position (GRCh38, 1-based): chr13:32,363,430, G>A. VCF-style: chr13-32363430-G-A. GRCh37 (hg19) VCF-style: chr13-32937567-G-A.
Other names: c.3296G>A, p.Gly1099Asp (NM_001406721.1); c.1811G>A, p.Gly604Asp (NM_001406722.1); c.8132G>A, p.Gly2711Asp (NM_001406719.1); c.8228G>A, p.Gly2743Asp (NM_001406720.1); short protein forms G1099D, G2711D, G604D, G2743D.
Identifiers: ClinVar variation 2774951 (VCV002774951.2), dbSNP rs2137582037, ClinGen allele CA387749850.
Genomic context (GRCh38, chr13:32,363,430, plus strand): 5'-ATGGGTGGTATGCTGTTAAGGCCCAGTTAGATCCTCCCCTCTTAGCTGTCTTAAAGAATG[G>A]CAGACTGACAGTTGGTCAGAAGATTATTCTTCATGGAGCAGAACTGGTGGGCTCTCCTGA-3'
Protein context (NP_000050.3, residues 2733-2753): DPPLLAVLKN[Gly2743Asp]RLTVGQKIIL